The following is an entry in ClinVar:

NM_001031689.3(PLAA):c.1570C>T (p.Arg524Ter)

Gene: PLAA (phospholipase A2 activating protein; minus strand). Cytogenetic location: 9p21.2.
Variant type: single nucleotide variant.
Coding change: c.1570C>T on transcript NM_001031689.3 (MANE Select); coding-DNA position 1570, C replaced by T.
Protein change: p.Arg524Ter; replaces arginine 524 with a stop codon.
Molecular consequence: nonsense.
Genome position (GRCh38, 1-based): chr9:26,910,425, G>A on the plus strand (C>T on the coding strand, the complement: PLAA is on the minus strand). VCF-style: chr9-26910425-G-A. GRCh37 (hg19) VCF-style: chr9-26910423-G-A.
Other names: c.1501C>T, p.Arg501Ter (NM_001321546.2); short protein forms R501*, R524*.
Identifiers: ClinVar variation 1806265 (VCV001806265.6), dbSNP rs1241511703, ClinGen allele CA373130249.

ClinVar aggregate classification (germline): Likely pathogenic. Review status: criteria provided, multiple submitters, no conflicts (2 of 4 stars). 2 submissions from 2 submitters: Likely pathogenic (2). Last evaluated 2022-10-07.

Conditions:
Neurodevelopmental disorder with progressive microcephaly, spasticity, and brain anomalies. Identifiers: Orphanet 521426, MedGen C4479631, MONDO:0060502, OMIM 617527.

Allele frequency attached by ClinVar (database versions not stated): gnomAD exomes below 0.00001; TOPMed below 0.00001.
gnomAD v4.1: 3 of 1,611,170 alleles (0.00019%); highest among the groups gnomAD compares: Non-Finnish European, 0.00017%; no homozygotes.

Submissions (2):

Greenwood Genetic Center Diagnostic Laboratories, Greenwood Genetic Center
Classification: Likely pathogenic for Neurodevelopmental disorder with progressive microcephaly, spasticity, and brain anomalies. Last evaluated: 2022-10-07. Review status: criteria provided, single submitter. Criteria: ACMG Guidelines, 2015. Collection method: clinical testing. Allele origin: germline. Affected: yes.
Comment: PVS1, PM2

Victorian Clinical Genetics Services, Murdoch Childrens Research Institute
Classification: Likely pathogenic for Neurodevelopmental disorder with progressive microcephaly, spasticity, and brain anomalies. Last evaluated: 2020-06-11. Review status: criteria provided, single submitter. Criteria: ACMG Guidelines, 2015. Collection method: clinical testing. Allele origin: germline. Inheritance: Autosomal recessive inheritance. Affected: yes.
Comment: Based on the classification scheme VCGS_Germline_v1.1.1, this variant is classified as Likely Pathogenic. Following criteria are met: 0102 - Loss-of-function is a known mechanism of disease for this gene. Missense variants have been shown to disrupt protein function or destabilise the protein (PMID: 28413018, 28007986). (N) 0106 - This gene is known to be associated with autosomal recessive disease. (N) 0201 - Variant is predicted to cause nonsense-mediated decay (NMD) and loss of protein (exon 12 of 14). (P) 0252 - Variant is homozygous. (N) 0301 - Variant is absent from gnomAD. (P) 0703 - Comparable variants have moderate previous evidence for pathogenicity. Another homozygous variant predicted to cause NMD has been reported as pathogenic in ClinVar. (P) 0807 - Variant has not previously been reported in a clinical context. (N) 0905 - No segregation evidence has been identified for this variant. (N) 1007 - No published functional evidence has been identified for this variant. (N) Legend: (P) - Pathogenic, (N) - Neutral, (B) - Benign

Literature cited by the submitters: PubMed 28007986 (cited by Victorian Clinical Genetics Services, Murdoch Childrens Research Institute); PubMed 28413018 (cited by Victorian Clinical Genetics Services, Murdoch Childrens Research Institute); PubMed 31322726 (cited by Victorian Clinical Genetics Services, Murdoch Childrens Research Institute).